The following is an entry in ClinVar:

ClinVar aggregate classification (germline): Likely benign. Review status: criteria provided, multiple submitters, no conflicts (2 of 4 stars). 3 submissions from 3 submitters: Likely benign (3). Last evaluated 2025-10-01.

Conditions:
FOXP1-related disorder. Also called: FOXP1-related condition.

Allele frequency attached by ClinVar (database versions not stated): gnomAD exomes 0.00001; ExAC 0.00002; TOPMed 0.00004; gnomAD 0.00006.
gnomAD v4.1: 29 of 1,613,926 alleles (0.0018%); highest among the groups gnomAD compares: African/African-American, 0.015%; no homozygotes.

Submissions (3):

CeGaT Center for Human Genetics Tuebingen
Classification: Likely benign. Last evaluated: 2025-10-01. Review status: criteria provided, single submitter. Criteria: CeGaT Center For Human Genetics Tuebingen Variant Classification Criteria Version 2. Collection method: clinical testing. Allele origin: germline. Affected: yes. Observed: 1 variant allele.
Comment: FOXP1: BP4, BP7

Labcorp Genetics (formerly Invitae), Labcorp
Classification: Likely benign. Last evaluated: 2025-04-14. Review status: criteria provided, single submitter. Criteria: Invitae Variant Classification Sherloc (09022015). Collection method: clinical testing. Allele origin: germline.

PreventionGenetics, part of Exact Sciences
Classification: Likely benign for FOXP1-related condition. Last evaluated: 2024-10-30. Review status: criteria provided, single submitter. Criteria: ACMG Guidelines, 2015. Collection method: clinical testing. Allele origin: germline.
Comment: This variant is classified as likely benign based on ACMG/AMP sequence variant interpretation guidelines (Richards et al. 2015 PMID: 25741868, with internal and published modifications).

NM_001349338.3(FOXP1):c.1821C>T (p.Asn607=)

Gene: FOXP1 (forkhead box P1; minus strand). Cytogenetic location: 3p13.
Variant type: single nucleotide variant.
Coding change: c.1821C>T on transcript NM_001349338.3 (MANE Select); coding-DNA position 1821, C replaced by T.
Protein change: p.Asn607=; no amino-acid change (asparagine 607 retained).
Molecular consequence: synonymous variant. On other transcripts: non-coding transcript variant (2).
Genome position (GRCh38, 1-based): chr3:70,965,958, G>A on the plus strand (C>T on the coding strand, the complement: FOXP1 is on the minus strand). VCF-style: chr3-70965958-G-A. GRCh37 (hg19) VCF-style: chr3-71015109-G-A.
Other names: c.1818C>T, p.Asn606= (NM_001244808.3, NM_001349341.3); c.1869C>T, p.Asn623= (NM_001244810.2); c.1593C>T, p.Asn531= (NM_001244812.3); c.1521C>T, p.Asn507= (NM_001244813.3, NM_001244815.2, NM_001349342.3); c.1821C>T, p.Asn607= (NM_001244814.3, NM_001244816.2, NM_001349340.3 and 1 more transcripts); c.1518C>T, p.Asn506= (NM_001349337.2, NM_001349343.3, NM_001349344.3 and 1 more transcripts); c.1821C>T (NM_032682.5).
Identifiers: ClinVar variation 2083132 (VCV002083132.11), dbSNP rs768285337, ClinGen allele CA2490814.